The following is an entry in ClinVar:

NM_007129.5(ZIC2):c.1292G>T (p.Gly431Val)

Gene: ZIC2 (Zic family zinc finger 2; plus strand). Cytogenetic location: 13q32.3.
Variant type: single nucleotide variant.
Coding change: c.1292G>T on transcript NM_007129.5 (MANE Select); coding-DNA position 1292, G replaced by T.
Protein change: p.Gly431Val; replaces glycine 431 with valine.
Molecular consequence: missense variant.
Genome position (GRCh38, 1-based): chr13:99,985,375, G>T. VCF-style: chr13-99985375-G-T. GRCh37 (hg19) VCF-style: chr13-100637629-G-T.
Other names: short protein forms G431V.
Identifiers: ClinVar variation 3639587 (VCV003639587.2).

ClinVar aggregate classification (germline): Uncertain significance (1 of 4 stars; one submission).

Conditions:
Holoprosencephaly 5 (HPE5). Identifiers: Orphanet 2162, MedGen C1864827, MONDO:0012322, OMIM 609637.

gnomAD v4.1: 1 of 1,597,652 alleles (0.000063%); highest among the groups gnomAD compares: Non-Finnish European, 0.000085%; no homozygotes.

Submission:

Labcorp Genetics (formerly Invitae), Labcorp
Classification: Uncertain significance for Holoprosencephaly 5. Last evaluated: 2024-03-15. Review status: criteria provided, single submitter. Criteria: Invitae Variant Classification Sherloc (09022015). Collection method: clinical testing. Allele origin: germline.
Comment: This sequence change replaces glycine, which is neutral and non-polar, with valine, which is neutral and non-polar, at codon 431 of the ZIC2 protein (p.Gly431Val). This variant is not present in population databases (gnomAD no frequency). This variant has not been reported in the literature in individuals affected with ZIC2-related conditions. Advanced modeling of protein sequence and biophysical properties (such as structural, functional, and spatial information, amino acid conservation, physicochemical variation, residue mobility, and thermodynamic stability) performed at Invitae indicates that this missense variant is not expected to disrupt ZIC2 protein function with a negative predictive value of 80%. In summary, the available evidence is currently insufficient to determine the role of this variant in disease. Therefore, it has been classified as a Variant of Uncertain Significance.